The following is an entry in ClinVar:

NM_002907.4(RECQL):c.1654C>T (p.Gln552Ter)

Gene: RECQL (RecQ like helicase; minus strand). Cytogenetic location: 12p12.1.
Variant type: single nucleotide variant.
Coding change: c.1654C>T on transcript NM_002907.4 (MANE Select); coding-DNA position 1654, C replaced by T.
Protein change: p.Gln552Ter; replaces glutamine 552 with a stop codon.
Molecular consequence: nonsense.
Genome position (GRCh38, 1-based): chr12:21,471,441, G>A on the plus strand (C>T on the coding strand, the complement: RECQL is on the minus strand). VCF-style: chr12-21471441-G-A. GRCh37 (hg19) VCF-style: chr12-21624375-G-A.
Other names: c.1654C>T, p.Gln552Ter (NM_032941.3); short protein forms Q552*.
Identifiers: ClinVar variation 1777317 (VCV001777317.7), dbSNP rs1942959589, ClinGen allele CA384115001.

ClinVar aggregate classification (germline): Uncertain significance. Review status: criteria provided, multiple submitters, no conflicts (2 of 4 stars). 2 submissions from 2 submitters: Uncertain significance (2). Last evaluated 2022-08-19.

Allele frequency attached by ClinVar (database versions not stated): gnomAD exomes below 0.00001.
gnomAD v4.1: 2 of 1,612,070 alleles (0.00012%); highest among the groups gnomAD compares: East Asian, 0.0022%; no homozygotes.

Submissions (2):

Ambry Genetics
Classification: Uncertain significance. Last evaluated: 2022-08-19. Review status: criteria provided, single submitter. Criteria: Ambry Variant Classification Scheme 2023. Collection method: clinical testing. Allele origin: germline.
Comment: The p.Q552* variant (also known as c.1654C>T), located in coding exon 12 of the RECQL gene, results from a C to T substitution at nucleotide position 1654. This changes the amino acid from a glutamine to a stop codon within coding exon 12. This alteration is expected to result in loss of function by premature protein truncation or nonsense-mediated mRNA decay. However, the evidence for this gene-disease relationship is limited; therefore, the clinical significance of this alteration is unclear.

Labcorp Genetics (formerly Invitae), Labcorp
Classification: Uncertain significance. Last evaluated: 2022-02-25. Review status: criteria provided, single submitter. Criteria: Invitae Variant Classification Sherloc (09022015). Collection method: clinical testing. Allele origin: germline.
Comment: In summary, the available evidence is currently insufficient to determine the role of this variant in disease. Therefore, it has been classified as a Variant of Uncertain Significance. This variant has not been reported in the literature in individuals affected with RECQL-related conditions. This variant is not present in population databases (gnomAD no frequency). This sequence change creates a premature translational stop signal (p.Gln552*) in the RECQL gene. It is expected to result in an absent or disrupted protein product. However, the current clinical and genetic evidence is not sufficient to establish whether loss-of-function variants in RECQL cause disease.